The following is an entry in ClinVar:

ClinVar aggregate classification (germline): Uncertain significance. Review status: criteria provided, multiple submitters, no conflicts (2 of 4 stars). 3 submissions from 3 submitters: Uncertain significance (3). Last evaluated 2025-12-16.

Conditions:
Wolfram syndrome 1 (WFS1). Identifiers: Orphanet 3463, MedGen C4551693, MONDO:0009101, OMIM 222300.

Allele frequency attached by ClinVar (database versions not stated): gnomAD 0.00001.
gnomAD v4.1: 1 of 1,611,318 alleles (0.000062%); highest among the groups gnomAD compares: African/African-American, 0.0013%; no homozygotes.

Submissions (3):

3billion
Classification: Uncertain significance for Wolfram syndrome 1. Last evaluated: 2025-12-16. Review status: criteria provided, single submitter. Criteria: ACMG Guidelines, 2015. Collection method: clinical testing. Allele origin: germline. Affected: yes.
Comment: The variant is observed at an extremely low frequency in the gnomAD v4.1.0 dataset (total allele frequency: <0.001%). Predicted Consequence/Location: Missense variant In silico tool predictions suggest damaging effect of the variant on gene or gene product [REVEL: 0.79 (>=0.6, sensitivity 0.68 and specificity 0.92); 3Cnet: 0.04 (> 0.75, sensitivity 0.96 and precision 0.92)]. Different missense changes at the same codon (p.Pro504Arg, p.Pro504Leu) have been reported as pathogenic/likely pathogenic with strong evidence (ClinVar ID: VCV000004512, VCV001328269 /PMID: 24890733, 9771706). Therefore, this variant is classified as VUS according to the recommendation of ACMG/AMP guideline.

CeGaT Center for Human Genetics Tuebingen
Classification: Uncertain significance. Last evaluated: 2016-11-01. Review status: criteria provided, single submitter. Criteria: CeGaT Center For Human Genetics Tuebingen Variant Classification Criteria Version 2. Collection method: clinical testing. Allele origin: germline. Affected: yes. Observed: 1 variant allele.

Clinical Genomics, Uppaluri K&H Personalized Medicine Clinic
Classification: Uncertain significance for Wolfram syndrome 1. Review status: criteria provided, single submitter. Criteria: K & H Uppaluri Personalized Medicine Clinic Variant Classification & Assertion Criteria_Updated V.1. Collection method: research. Allele origin: unknown. Inheritance: Autosomal recessive inheritance.
Comment: Potent mutations in WFS1 gene are associated with Wolfram's syndrome, an autosomal recessive condition, which cause diabetes mellitus, diabetes insipidus, deafness and optic atrophy. However no sufficient evidence is found to ascertain the role of this particular variant rs1064797305 in Wolfram's syndrome yet.

Literature cited by the submitters: PubMed 24890733 (cited by 3billion); PubMed 20738327 (cited by Clinical Genomics, Uppaluri K&H Personalized Medicine Clinic); PubMed 33879153 (cited by Clinical Genomics, Uppaluri K&H Personalized Medicine Clinic); PubMed 12955714 (cited by Clinical Genomics, Uppaluri K&H Personalized Medicine Clinic); PubMed 18060660 (cited by Clinical Genomics, Uppaluri K&H Personalized Medicine Clinic); PubMed 20301750 (cited by Clinical Genomics, Uppaluri K&H Personalized Medicine Clinic); PubMed 17603484 (cited by Clinical Genomics, Uppaluri K&H Personalized Medicine Clinic).

NM_006005.3(WFS1):c.1510C>A (p.Pro504Thr)

Gene: WFS1 (wolframin ER transmembrane glycoprotein; plus strand). Cytogenetic location: 4p16.1.
Variant type: single nucleotide variant.
Coding change: c.1510C>A on transcript NM_006005.3 (MANE Select); coding-DNA position 1510, C replaced by A.
Protein change: p.Pro504Thr; replaces proline 504 with threonine.
Molecular consequence: missense variant.
Genome position (GRCh38, 1-based): chr4:6,301,305, C>A. VCF-style: chr4-6301305-C-A. GRCh37 (hg19) VCF-style: chr4-6303032-C-A.
Other names: c.1510C>A, p.Pro504Thr (NM_001145853.1); short protein forms P504T.
Identifiers: ClinVar variation 425325 (VCV000425325.44), dbSNP rs1064797305, ClinGen allele CA16621815.